The following is an entry in ClinVar:

ClinVar aggregate classification (germline): Conflicting classifications of pathogenicity. Review status: criteria provided, conflicting classifications (1 of 4 stars). 2 submissions from 2 submitters: Uncertain significance (1); Likely benign (1). Last evaluated 2022-08-22.

Conditions:
Combined immunodeficiency due to DOCK8 deficiency (HIES2). Also called: HIES autosomal recessive; HYPER-IgE RECURRENT INFECTION SYNDROME 2, AUTOSOMAL RECESSIVE; Hyper-IgE recurrent infection syndrome, autosomal recessive; HYPER-IgE SYNDROME 2, AUTOSOMAL RECESSIVE, WITH RECURRENT INFECTIONS; DOCK8 Deficiency. Identifiers: Orphanet 217390, MedGen C4722305, MONDO:0009478, OMIM 243700.

Allele frequency attached by ClinVar (database versions not stated): gnomAD exomes 0.00001 and 0.00002; ExAC 0.00003; ESP Exome Variant Server 0.00008; gnomAD 0.00008 and 0.00009.
gnomAD v4.1: 21 of 1,608,978 alleles (0.0013%); highest among the groups gnomAD compares: African/African-American, 0.02%; no homozygotes.

Submissions (2):

Labcorp Genetics (formerly Invitae), Labcorp
Classification: Uncertain significance for Combined immunodeficiency due to DOCK8 deficiency. Last evaluated: 2022-08-22. Review status: criteria provided, single submitter. Criteria: Invitae Variant Classification Sherloc (09022015). Collection method: clinical testing. Allele origin: germline.
Comment: This sequence change falls in intron 36 of the DOCK8 gene. It does not directly change the encoded amino acid sequence of the DOCK8 protein. It affects a nucleotide within the consensus splice site. This variant is present in population databases (rs368566107, gnomAD 0.03%). This variant has not been reported in the literature in individuals affected with DOCK8-related conditions. ClinVar contains an entry for this variant (Variation ID: 518192). Variants that disrupt the consensus splice site are a relatively common cause of aberrant splicing (PMID: 17576681, 9536098). Algorithms developed to predict the effect of sequence changes on RNA splicing suggest that this variant is not likely to affect RNA splicing. In summary, the available evidence is currently insufficient to determine the role of this variant in disease. Therefore, it has been classified as a Variant of Uncertain Significance.

GeneDx
Classification: Likely benign. Last evaluated: 2017-06-29. Review status: criteria provided, single submitter. Criteria: GeneDx Variant Classification (06012015). Collection method: clinical testing. Allele origin: germline. Affected: yes.
Comment: This variant is considered likely benign or benign based on one or more of the following criteria: it is a conservative change, it occurs at a poorly conserved position in the protein, it is predicted to be benign by multiple in silico algorithms, and/or has population frequency not consistent with disease.

Literature cited by the submitters: PubMed 17576681 (cited by Labcorp Genetics (formerly Invitae), Labcorp); PubMed 9536098 (cited by Labcorp Genetics (formerly Invitae), Labcorp).

NM_203447.4(DOCK8):c.4627-3C>T

Gene: DOCK8 (dedicator of cytokinesis 8; plus strand). Cytogenetic location: 9p24.3.
Variant type: single nucleotide variant.
Coding change: c.4627-3C>T on transcript NM_203447.4 (MANE Select); 3 bases into the intron before coding-DNA position 4627, C replaced by T.
Molecular consequence: intron variant.
Genome position (GRCh38, 1-based): chr9:432,163, C>T. VCF-style: chr9-432163-C-T. GRCh37 (hg19) VCF-style: chr9-432163-C-T.
Other names: c.4423-3C>T (NM_001193536.2); c.4327-3C>T (NM_001190458.2).
Identifiers: ClinVar variation 518192 (VCV000518192.4), dbSNP rs368566107, ClinGen allele CA4959164.
Genomic context (GRCh38, chr9:432,163, plus strand): 5'-CAGTTATCTACTGCTAAGTGTGTCTTATTTACTTCATCTTTTTTTTTTTTTTCACTGATG[C>T]AGAATTTTGCAAGAGTAAAGATGCAAGTAACCATGTCCCTGGCATCTTTGGTGGGAAGAG-3'